The following is an entry in ClinVar:

NM_206933.4(USH2A):c.9538del (p.Cys3180fs)

Gene: USH2A (usherin; minus strand). Cytogenetic location: 1q41.
Variant type: Deletion.
Coding change: c.9538del on transcript NM_206933.4 (MANE Select); coding-DNA position 9538, one base deleted (T; older notation c.9538delT).
Protein change: p.Cys3180fs; shifts the reading frame from cysteine 3180.
Molecular consequence: frameshift variant.
Genome position (GRCh38, 1-based): chr1:215,817,029, A deleted on the plus strand (T on the coding strand, the reverse complement: USH2A is on the minus strand). VCF-style (leftmost placement, unchanged base first): chr1-215817028-CA-C. GRCh37 (hg19) VCF-style: chr1-215990370-CA-C.
Other names: short protein forms C3180fs.
Identifiers: ClinVar variation 1392449 (VCV001392449.30), dbSNP rs36108227, ClinGen allele CA37427993.

ClinVar aggregate classification (germline): Pathogenic. Review status: criteria provided, multiple submitters, no conflicts (2 of 4 stars). 3 submissions from 3 submitters: Pathogenic (3). Last evaluated 2023-11-04.

Conditions:
Usher syndrome type 2A. Also called: RETINAL DISEASE IN USHER SYNDROME TYPE IIA, MODIFIER OF; USHER SYNDROME, TYPE IIA. Identifiers: Orphanet 231178, Orphanet 886, MedGen C1848634, MONDO:0010169, OMIM 276901.
Usher syndrome. Also called: Usher's syndrome; Usher Syndromes. Identifiers: Orphanet 886, MedGen CN469326, MeSH D052245, MONDO:0019501. Disease mechanism: loss of function.

Submissions (3):

Genome-Nilou Lab
Classification: Pathogenic for Usher syndrome type 2A. Last evaluated: 2023-11-04. Review status: criteria provided, single submitter. Criteria: ACMG Guidelines, 2015. Collection method: clinical testing. Allele origin: germline. Affected: no.

SN ONGC Dept of Genetics and Molecular biology Vision Research Foundation
Classification: Pathogenic for Usher syndrome. Last evaluated: 2022-12-31. Review status: criteria provided, single submitter. Criteria: ACMG Guidelines, 2015. Collection method: research. Allele origin: unknown. Affected: yes. Observed: 1 variant allele, 1 homozygote.

Labcorp Genetics (formerly Invitae), Labcorp
Classification: Pathogenic. Last evaluated: 2021-01-22. Review status: criteria provided, single submitter. Criteria: Invitae Variant Classification Sherloc (09022015). Collection method: clinical testing. Allele origin: germline.
Comment: This sequence change creates a premature translational stop signal (p.Cys3180Valfs*37) in the USH2A gene. It is expected to result in an absent or disrupted protein product. Loss-of-function variants in USH2A are known to be pathogenic (PMID: 10729113, 10909849, 20507924, 25649381). This variant is not present in population databases (ExAC no frequency). This variant has not been reported in the literature in individuals with USH2A-related conditions. For these reasons, this variant has been classified as Pathogenic.

Literature cited by the submitters: PubMed 10729113 (cited by Labcorp Genetics (formerly Invitae), Labcorp); PubMed 10909849 (cited by Labcorp Genetics (formerly Invitae), Labcorp); PubMed 20507924 (cited by Labcorp Genetics (formerly Invitae), Labcorp); PubMed 25649381 (cited by Labcorp Genetics (formerly Invitae), Labcorp).